The following is an entry in ClinVar:

ClinVar aggregate classification (germline): Likely benign. Review status: criteria provided, single submitter (1 of 4 stars). 2 submissions from 2 submitters: Likely benign (1). 1 of the submissions does not count toward it. Last evaluated 2025-06-10.

Conditions:
WDR19-related disorder. Also called: WDR19-related condition; WDR19-related disorders. Identifiers: MedGen CN380161.
Asphyxiating thoracic dystrophy 5 (SRTD5). Also called: SHORT-RIB THORACIC DYSPLASIA 5 WITH OR WITHOUT POLYDACTYLY; SHORT-RIB THORACIC DYSPLASIA 5 WITHOUT POLYDACTYLY. Identifiers: Orphanet 474, MedGen C3280598, MONDO:0013717, OMIM 614376.
Senior-Loken syndrome 8 (SLSN8). Identifiers: Orphanet 3156, MedGen C4225376, MONDO:0014579, OMIM 616307.

Allele frequency attached by ClinVar (database versions not stated): TOPMed below 0.00001; gnomAD exomes 0.00001; ExAC 0.00002.
gnomAD v4.1: 18 of 1,613,460 alleles (0.0011%); highest among the groups gnomAD compares: East Asian, 0.0045%; no homozygotes.

Submissions (2):

Labcorp Genetics (formerly Invitae), Labcorp
Classification: Likely benign for Senior-Loken syndrome 8; Asphyxiating thoracic dystrophy 5. Last evaluated: 2025-06-10. Review status: criteria provided, single submitter. Criteria: Invitae Variant Classification Sherloc (09022015). Collection method: clinical testing. Allele origin: germline.

PreventionGenetics, part of Exact Sciences
Classification: Likely benign for WDR19-related condition. Last evaluated: 2019-08-06. Review status: no assertion criteria provided. Collection method: clinical testing. Allele origin: germline. Not counted in ClinVar's aggregate classification.
Comment: This variant is classified as likely benign based on ACMG/AMP sequence variant interpretation guidelines (Richards et al. 2015 PMID: 25741868, with internal and published modifications).

NM_025132.4(WDR19):c.2193C>T (p.Asn731=)

Gene: WDR19 (WD repeat domain 19; plus strand). Cytogenetic location: 4p14.
Variant type: single nucleotide variant.
Coding change: c.2193C>T on transcript NM_025132.4 (MANE Select); coding-DNA position 2193, C replaced by T.
Protein change: p.Asn731=; no amino-acid change (asparagine 731 retained).
Molecular consequence: synonymous variant.
Genome position (GRCh38, 1-based): chr4:39,232,212, C>T. VCF-style: chr4-39232212-C-T. GRCh37 (hg19) VCF-style: chr4-39233832-C-T.
Other names: c.2193C>T (NM_025132.3); c.1713C>T, p.Asn571= (NM_001317924.2).
Identifiers: ClinVar variation 2194382 (VCV002194382.6), dbSNP rs760172162, ClinGen allele CA2892026.